The following is an entry in ClinVar:

NM_005751.5(AKAP9):c.7340C>G (p.Pro2447Arg)

Gene: AKAP9 (A-kinase anchoring protein 9; plus strand). Cytogenetic location: 7q21.2.
Variant type: single nucleotide variant.
Coding change: c.7340C>G on transcript NM_005751.5 (MANE Select); coding-DNA position 7340, C replaced by G.
Protein change: p.Pro2447Arg; replaces proline 2447 with arginine.
Molecular consequence: missense variant.
Genome position (GRCh38, 1-based): chr7:92,079,473, C>G. VCF-style: chr7-92079473-C-G. GRCh37 (hg19) VCF-style: chr7-91708787-C-G.
Other names: c.1985C>G, p.Pro662Arg (NM_001379277.1); c.7316C>G, p.Pro2439Arg (NM_147185.3); short protein forms P2447R, P2439R, P662R.
Identifiers: ClinVar variation 2564455 (VCV002564455.2), dbSNP rs753301970, ClinGen allele CA368135521.

ClinVar aggregate classification (germline): Uncertain significance (1 of 4 stars; one submission).

Conditions:
Cardiovascular phenotype. Identifiers: MedGen CN230736.

gnomAD v4.1: 1 of 1,613,926 alleles (0.000062%); highest among the groups gnomAD compares: Non-Finnish European, 0.000085%; no homozygotes.

Submission:

Ambry Genetics
Classification: Uncertain significance for Cardiovascular phenotype. Last evaluated: 2023-04-03. Review status: criteria provided, single submitter. Criteria: Ambry Variant Classification Scheme 2023. Collection method: clinical testing. Allele origin: germline.
Comment: The p.P2447R variant (also known as c.7340C>G), located in coding exon 31 of the AKAP9 gene, results from a C to G substitution at nucleotide position 7340. The proline at codon 2447 is replaced by arginine, an amino acid with dissimilar properties. This amino acid position is conserved. In addition, this alteration is predicted to be tolerated by in silico analysis. Since supporting evidence is limited at this time, the clinical significance of this alteration remains unclear.